The following is an entry in ClinVar:

ClinVar aggregate classification (germline): Likely benign. Review status: criteria provided, single submitter (1 of 4 stars). 2 submissions from 2 submitters: Likely benign (1). 1 of the submissions does not count toward it. Last evaluated 2025-02-01.

Conditions:
DCHS2-related disorder. Also called: DCHS2-related condition.

Allele frequency attached by ClinVar (database versions not stated): gnomAD exomes 0.00091; ESP Exome Variant Server 0.00092; gnomAD 0.00092; 1000 Genomes Project 0.00100; 1000 Genomes Project 30x 0.00109; ExAC 0.00137.
gnomAD v4.1: 1,579 of 1,613,990 alleles (0.098%); highest among the groups gnomAD compares: Middle Eastern, 0.89%; 14 homozygotes.

Submissions (2):

CeGaT Center for Human Genetics Tuebingen
Classification: Likely benign. Last evaluated: 2025-02-01. Review status: criteria provided, single submitter. Criteria: CeGaT Center For Human Genetics Tuebingen Variant Classification Criteria Version 2. Collection method: clinical testing. Allele origin: germline. Affected: yes. Observed: 1 variant allele.
Comment: DCHS2: BP4

PreventionGenetics, part of Exact Sciences
Classification: Likely benign for DCHS2-related condition. Last evaluated: 2022-04-18. Review status: no assertion criteria provided. Collection method: clinical testing. Allele origin: germline. Not counted in ClinVar's aggregate classification.
Comment: This variant is classified as likely benign based on ACMG/AMP sequence variant interpretation guidelines (Richards et al. 2015 PMID: 25741868, with internal and published modifications).

NM_001358235.2(DCHS2):c.9206C>T (p.Pro3069Leu)

Genes: DCHS2-AS1 (DCHS2 antisense RNA 1; plus strand), DCHS2 (dachsous cadherin-related 2; minus strand). Cytogenetic location: 4q31.3.
Variant type: single nucleotide variant.
Coding change: c.9206C>T on transcript NM_001358235.2 (MANE Select); coding-DNA position 9206, C replaced by T.
Protein change: p.Pro3069Leu; replaces proline 3069 with leucine.
Molecular consequence: missense variant.
Genome position (GRCh38, 1-based): chr4:154,235,446, G>A on the plus strand (C>T on the coding strand, the complement: DCHS2 is on the minus strand). VCF-style: chr4-154235446-G-A. GRCh37 (hg19) VCF-style: chr4-155156598-G-A.
Other names: short protein forms P3069L.
Identifiers: ClinVar variation 3038479 (VCV003038479.15), dbSNP rs149548848, ClinGen allele CA3111788.
Genomic context (GRCh38, chr4:154,235,446, plus strand): 5'-GAGTGTCTGTACAGATTGACAATATCCTTCTCCATGATACTTATTAAACTCAACCATTCC[G>A]GAGTGGCATCCACAGGGACCACCTCGTTACTGCAGTCGTCAGTTTTCTGGAAGGCTTTGA-3'
Protein context (NP_001345164.1, residues 3059-3079): SNEVVPVDAT[Pro3069Leu]EWLSLISIME